The following is an entry in ClinVar:

NM_001754.5(RUNX1):c.*1158C>G

Gene: RUNX1 (RUNX family transcription factor 1; minus strand). Cytogenetic location: 21q22.12.
Variant type: single nucleotide variant.
Coding change: c.*1158C>G on transcript NM_001754.5 (MANE Select); 1158 bases downstream of the stop codon, C replaced by G.
Molecular consequence: 3 prime UTR variant.
Genome position (GRCh38, 1-based): chr21:34,790,977, G>C on the plus strand (C>G on the coding strand, the complement: RUNX1 is on the minus strand). VCF-style: chr21-34790977-G-C. GRCh37 (hg19) VCF-style: chr21-36163274-G-C.
Other names: c.*1158C>G (NM_001001890.3).
Identifiers: ClinVar variation 895825 (VCV000895825.5), dbSNP rs1197649398, ClinGen allele CA637689160.

ClinVar aggregate classification (germline): Likely benign. Review status: reviewed by expert panel (3 of 4 stars). 2 submissions from 2 submitters: Likely benign (1). 1 of the submissions does not count toward it. Last evaluated 2024-09-18.

Conditions:
Hereditary thrombocytopenia and hematologic cancer predisposition syndrome. Identifiers: Orphanet 71290, MedGen CN281654, MONDO:0011071.
Hereditary thrombocytopenia and hematological cancer predisposition syndrome associated with RUNX1. Also called: PLATELET DISORDER, ASPIRIN-LIKE; RUNX1 Familial Platelet Disorder with Associated Myeloid Malignancies; Familial Platelet Disorder with Propensity to Acute Myelogenous Leukemia; Familial thrombocytopenia with propensity to acute myelogenous leukemia. Identifiers: Orphanet 71290, MedGen C1832388, MeSH C563324, MONDO:0100083, OMIM 601399.

Allele frequency attached by ClinVar (database versions not stated): gnomAD 0.00003 and 0.00004; TOPMed 0.00003.

Submissions (2):

ClinGen Myeloid Malignancy Variant Curation Expert Panel
Classification: Likely benign for Hereditary thrombocytopenia and hematologic cancer predisposition syndrome. Last evaluated: 2024-09-18. Review status: reviewed by expert panel. Criteria: ClinGen MyeloMalig ACMG Specifications v2. Collection method: curation. Allele origin: germline. Inheritance: Autosomal dominant inheritance.
Comment: NM_001754.5(RUNX1):c.*1158C>G is a 3' UTR variant with a SpliceAI score of 0.00, which is ≤ 0.20 (BP4). Additionally, evolutionary conservation algorithms predict the site as not being conserved, with a PhyloP score of 0.62, which is ≤ 2.0 (BP7). In summary, this variant meets the criteria to be classified as likely benign. ACMG/AMP criteria applied, as specified by the Myeloid Malignancy Variant Curation Expert Panel for RUNX1: BP4, BP7.

Illumina Laboratory Services, Illumina
Classification: Uncertain significance for Hereditary thrombocytopenia and hematological cancer predisposition syndrome associated with RUNX1. Last evaluated: 2018-01-13. Review status: criteria provided, single submitter. Criteria: ICSL Variant Classification Criteria 13 December 2019. Collection method: clinical testing. Allele origin: germline. Not counted in ClinVar's aggregate classification.